The following is an entry in ClinVar:

ClinVar aggregate classification (germline): Uncertain significance. Review status: criteria provided, multiple submitters, no conflicts (2 of 4 stars). 3 submissions from 3 submitters: Uncertain significance (3). Last evaluated 2026-06-10.

Conditions:
Inborn genetic diseases. Identifiers: MedGen C0950123, MeSH D030342.
Left ventricular noncompaction 8 (LVNC8). Identifiers: Orphanet 154, Orphanet 54260, MedGen C3809288, MONDO:0014152, OMIM 615373.

Allele frequency attached by ClinVar (database versions not stated): gnomAD exomes below 0.00001 and 0.00001; ExAC 0.00001; TOPMed 0.00002; gnomAD 0.00003 and 0.00004; ESP Exome Variant Server 0.00008.
gnomAD v4.1: 11 of 1,613,994 alleles (0.00068%); highest among the groups gnomAD compares: African/African-American, 0.0053%; no homozygotes.

Submissions (3):

GeneDx
Classification: Uncertain significance. Last evaluated: 2026-06-10. Review status: criteria provided, single submitter. Criteria: GeneDx Variant Classification Process June 2021. Collection method: clinical testing. Allele origin: germline.
Comment: Not observed at significant frequency in large population cohorts (gnomAD); In silico analysis suggests that this missense variant does not alter protein structure/function; Has not been previously published as pathogenic or benign to our knowledge

Labcorp Genetics (formerly Invitae), Labcorp
Classification: Uncertain significance for Left ventricular noncompaction 8. Last evaluated: 2025-06-18. Review status: criteria provided, single submitter. Criteria: Invitae Variant Classification Sherloc (09022015). Collection method: clinical testing. Allele origin: germline.
Comment: This sequence change replaces valine, which is neutral and non-polar, with methionine, which is neutral and non-polar, at codon 1211 of the PRDM16 protein (p.Val1211Met). This variant is present in population databases (rs376835158, gnomAD 0.007%). This variant has not been reported in the literature in individuals affected with PRDM16-related conditions. ClinVar contains an entry for this variant (Variation ID: 646720). An algorithm developed to predict the effect of missense changes on protein structure and function (PolyPhen-2) suggests that this variant is likely to be disruptive. In summary, the available evidence is currently insufficient to determine the role of this variant in disease. Therefore, it has been classified as a Variant of Uncertain Significance.

Ambry Genetics
Classification: Uncertain significance for Inborn genetic diseases. Last evaluated: 2025-05-07. Review status: criteria provided, single submitter. Criteria: Ambry Variant Classification Scheme 2023. Collection method: clinical testing. Allele origin: germline.

NM_022114.4(PRDM16):c.3631G>A (p.Val1211Met)

Gene: PRDM16 (PR/SET domain 16; plus strand). Cytogenetic location: 1p36.32.
Variant type: single nucleotide variant.
Coding change: c.3631G>A on transcript NM_022114.4 (MANE Select); coding-DNA position 3631, G replaced by A.
Protein change: p.Val1211Met; replaces valine 1211 with methionine.
Molecular consequence: missense variant.
Genome position (GRCh38, 1-based): chr1:3,432,075, G>A. VCF-style: chr1-3432075-G-A. GRCh37 (hg19) VCF-style: chr1-3348639-G-A.
Other names: c.3631G>A, p.Val1211Met (NM_199454.3); short protein forms V1211M.
Identifiers: ClinVar variation 646720 (VCV000646720.9), dbSNP rs376835158, ClinGen allele CA544925.